The following is an entry in ClinVar:

ClinVar aggregate classification (germline): Likely benign. Review status: criteria provided, multiple submitters, no conflicts (2 of 4 stars). 5 submissions from 5 submitters: Likely benign (5). Last evaluated 2026-01-13.

Conditions:
Deafness-lymphedema-leukemia syndrome. Also called: Emberger syndrome; Lymphedema, primary, with myelodysplasia. Identifiers: Orphanet 3226, MedGen C3279664, MONDO:0013540, OMIM 614038.
Monocytopenia with susceptibility to infections. Also called: MONOCYTOPENIA AND MYCOBACTERIAL INFECTION SYNDROME; MONOCYTOPENIA WITH SUSCEPTIBILITY TO MYCOBACTERIAL, FUNGAL, AND PAPILLOMAVIRUS INFECTIONS AND MYELODYSPLASIA; COMBINED IMMUNODEFICIENCY WITH SUSCEPTIBILITY TO MYCOBACTERIAL, VIRAL, AND FUNGAL INFECTIONS; Dendritic cell, monocyte, B lymphocyte, and natural killer lymphocyte deficiency; IMMUNODEFICIENCY 21; GATA2 DEFICIENCY. Identifiers: Orphanet 228423, MedGen C3280030, MONDO:0013607, OMIM 614172.
Inborn genetic diseases. Identifiers: MedGen C0950123, MeSH D030342.
Hereditary cancer-predisposing syndrome. Also called: Tumor predisposition; Hereditary neoplastic syndrome; Hereditary Cancer Syndrome; Neoplastic Syndromes, Hereditary. Identifiers: Orphanet 140162, MedGen C0027672, MeSH D009386, MONDO:0015356.

Allele frequency attached by ClinVar (database versions not stated): gnomAD 0.00001; gnomAD exomes 0.00002 and 0.00010; TOPMed 0.00004; ExAC 0.00007.

Submissions (5):

Labcorp Genetics (formerly Invitae), Labcorp
Classification: Likely benign for Monocytopenia with susceptibility to infections; Deafness-lymphedema-leukemia syndrome. Last evaluated: 2026-01-13. Review status: criteria provided, single submitter. Criteria: Invitae Variant Classification Sherloc (09022015). Collection method: clinical testing. Allele origin: germline.

Ambry Genetics
Classification: Likely benign for Inborn genetic diseases. Last evaluated: 2024-08-21. Review status: criteria provided, single submitter. Criteria: Ambry Variant Classification Scheme 2023. Collection method: clinical testing. Allele origin: germline.

Blueprint Genetics
Classification: Likely benign. Last evaluated: 2024-01-30. Review status: criteria provided, single submitter. Criteria: ACMG Guidelines, 2015. Collection method: clinical testing. Allele origin: germline.

CeGaT Center for Human Genetics Tuebingen
Classification: Likely benign. Last evaluated: 2022-12-01. Review status: criteria provided, single submitter. Criteria: CeGaT Center For Human Genetics Tuebingen Variant Classification Criteria Version 2. Collection method: clinical testing. Allele origin: germline. Affected: yes. Observed: 1 variant allele.
Comment: GATA2: BP4, BP7

Sema4
Classification: Likely benign for Hereditary cancer-predisposing syndrome. Last evaluated: 2021-04-08. Review status: criteria provided, single submitter. Criteria: Sema4 Curation Guidelines. Collection method: curation. Allele origin: germline.

NM_032638.5(GATA2):c.1185T>C (p.Thr395=)

Gene: GATA2 (GATA binding protein 2; minus strand). Cytogenetic location: 3q21.3.
Variant type: single nucleotide variant.
Coding change: c.1185T>C on transcript NM_032638.5 (MANE Select); coding-DNA position 1185, T replaced by C.
Protein change: p.Thr395=; no amino-acid change (threonine 395 retained).
Molecular consequence: synonymous variant.
Genome position (GRCh38, 1-based): chr3:128,481,277, A>G on the plus strand (T>C on the coding strand, the complement: GATA2 is on the minus strand). VCF-style: chr3-128481277-A-G. GRCh37 (hg19) VCF-style: chr3-128200120-A-G.
Other names: c.1185T>C, p.Thr395= (NM_001145661.2); c.1143T>C, p.Thr381= (NM_001145662.1).
Identifiers: ClinVar variation 412757 (VCV000412757.39), dbSNP rs771739064, ClinGen allele CA2599823.